The following is an entry in ClinVar:

ClinVar aggregate classification (germline): Uncertain significance (1 of 4 stars; one submission).

Allele frequency attached by ClinVar (database versions not stated): gnomAD 0.00001; ESP Exome Variant Server 0.00008; TOPMed below 0.00001; ExAC 0.00001.
gnomAD v4.1: 1 of 1,613,418 alleles (0.000062%); highest among the groups gnomAD compares: Non-Finnish European, 0.000085%; no homozygotes.

Submission:

GeneDx
Classification: Uncertain significance. Last evaluated: 2024-11-08. Review status: criteria provided, single submitter. Criteria: GeneDx Variant Classification Process June 2021. Collection method: clinical testing. Allele origin: germline.
Comment: In silico analysis indicates that this missense variant does not alter protein structure/function; Has not been previously published as pathogenic or benign to our knowledge

NM_019842.4(KCNQ5):c.1243A>G (p.Ser415Gly)

Gene: KCNQ5 (potassium voltage-gated channel subfamily Q member 5; plus strand). Cytogenetic location: 6q13.
Variant type: single nucleotide variant.
Coding change: c.1243A>G on transcript NM_019842.4 (MANE Select); coding-DNA position 1243, A replaced by G.
Protein change: p.Ser415Gly; replaces serine 415 with glycine.
Molecular consequence: missense variant. On other transcripts: intron variant (2).
Genome position (GRCh38, 1-based): chr6:73,124,508, A>G. VCF-style: chr6-73124508-A-G. GRCh37 (hg19) VCF-style: chr6-73834231-A-G.
Other names: c.1243A>G, p.Ser415Gly (NM_001160133.2, NM_001160134.2); c.1220+3931A>G (NM_001160132.2, NM_001160130.2); short protein forms S415G.
Identifiers: ClinVar variation 1706323 (VCV001706323.3), dbSNP rs141778969, ClinGen allele CA3886938.